The following is an entry in ClinVar:

ClinVar aggregate classification (germline): Uncertain significance (1 of 4 stars; one submission).

Conditions:
Autosomal recessive limb-girdle muscular dystrophy type 2C (LGMDR5). Also called: MUSCULAR DYSTROPHY, DUCHENNE-LIKE; MUSCULAR DYSTROPHY, LIMB-GIRDLE, AUTOSOMAL RECESSIVE 5. Identifiers: Orphanet 353, MedGen C0410173, MONDO:0009677, OMIM 253700. Disease mechanism: Affects gamma-sarcoglycan and also disrupts the integrity of the entire sarcoglycan complex..

Allele frequency attached by ClinVar (database versions not stated): gnomAD exomes below 0.00001; TOPMed below 0.00001.
gnomAD v4.1: 5 of 1,609,018 alleles (0.00031%); highest among the groups gnomAD compares: Admixed American, 0.0017%; no homozygotes.

Submission:

Labcorp Genetics (formerly Invitae), Labcorp
Classification: Uncertain significance for Autosomal recessive limb-girdle muscular dystrophy type 2C. Last evaluated: 2024-08-13. Review status: criteria provided, single submitter. Criteria: Invitae Variant Classification Sherloc (09022015). Collection method: clinical testing. Allele origin: germline.
Comment: This sequence change replaces methionine, which is neutral and non-polar, with isoleucine, which is neutral and non-polar, at codon 61 of the SGCG protein (p.Met61Ile). This variant is present in population databases (no rsID available, gnomAD 0.003%). This variant has not been reported in the literature in individuals affected with SGCG-related conditions. ClinVar contains an entry for this variant (Variation ID: 1520985). Advanced modeling of protein sequence and biophysical properties (such as structural, functional, and spatial information, amino acid conservation, physicochemical variation, residue mobility, and thermodynamic stability) performed at Invitae indicates that this missense variant is not expected to disrupt SGCG protein function with a negative predictive value of 80%. In summary, the available evidence is currently insufficient to determine the role of this variant in disease. Therefore, it has been classified as a Variant of Uncertain Significance.

NM_000231.3(SGCG):c.183G>A (p.Met61Ile)

Gene: SGCG (sarcoglycan gamma; plus strand). Cytogenetic location: 13q12.12.
Variant type: single nucleotide variant.
Coding change: c.183G>A on transcript NM_000231.3 (MANE Select); coding-DNA position 183, G replaced by A.
Protein change: p.Met61Ile; replaces methionine 61 with isoleucine.
Molecular consequence: missense variant.
Genome position (GRCh38, 1-based): chr13:23,203,877, G>A. VCF-style: chr13-23203877-G-A. GRCh37 (hg19) VCF-style: chr13-23778016-G-A.
Other names: c.237G>A, p.Met79Ile (NM_001378244.1); c.183G>A, p.Met61Ile (NM_001378245.1, NM_001378246.1); short protein forms M79I, M61I.
Identifiers: ClinVar variation 1520985 (VCV001520985.8), dbSNP rs1288398934, ClinGen allele CA387502865.